The following is an entry in ClinVar:

NR_173327.1(SCYGR10):n.229T>C

Gene: SCYGR10 (small cysteine and glycine repeat containing 10 (gene/pseudogene); plus strand). Cytogenetic location: 2q36.3.
Variant type: single nucleotide variant.
Molecular consequence: non-coding transcript variant (on NR_173327.1).
Genome position: GRCh38 VCF-style: chr2-227609012-T-C. GRCh37 (hg19) VCF-style: chr2-228473728-T-C.
Identifiers: ClinVar variation 2651963 (VCV002651963.24), dbSNP rs569909208, ClinGen allele CA66622199.

ClinVar aggregate classification (germline): Likely benign (1 of 4 stars; one submission).

Allele frequency attached by ClinVar (database versions not stated): 1000 Genomes Project 0.00060; TOPMed 0.00113; 1000 Genomes Project 30x 0.00125; gnomAD 0.00186; gnomAD exomes 0.00208.

Submission:

CeGaT Center for Human Genetics Tuebingen
Classification: Likely benign. Last evaluated: 2023-01-01. Review status: criteria provided, single submitter. Criteria: CeGaT Center For Human Genetics Tuebingen Variant Classification Criteria Version 2. Collection method: clinical testing. Allele origin: germline. Affected: yes. Observed: 1 variant allele.
Comment: SLC19A4P: BS2